The following is an entry in ClinVar:

NM_001278116.2(L1CAM):c.985G>A (p.Val329Met)

Gene: L1CAM (L1 cell adhesion molecule; minus strand). Cytogenetic location: Xq28.
Variant type: single nucleotide variant.
Coding change: c.985G>A on transcript NM_001278116.2 (MANE Select); coding-DNA position 985, G replaced by A.
Protein change: p.Val329Met; replaces valine 329 with methionine.
Molecular consequence: missense variant.
Genome position (GRCh38, 1-based): chrX:153,870,062, C>T on the plus strand (G>A on the coding strand, the complement: L1CAM is on the minus strand). VCF-style: chrX-153870062-C-T. GRCh37 (hg19) VCF-style: chrX-153135517-C-T.
Other names: c.985G>A, p.Val329Met (NM_000425.5, NM_024003.3); c.970G>A, p.Val324Met (NM_001143963.2); short protein forms V324M, V329M.
Identifiers: ClinVar variation 1297558 (VCV001297558.4), dbSNP rs2148497835, ClinGen allele CA415131455.

ClinVar aggregate classification (germline): Uncertain significance. Review status: criteria provided, single submitter (1 of 4 stars). 3 submissions from 3 submitters: Uncertain significance (1). 2 of the submissions do not count toward it. Last evaluated 2023-07-19.

Conditions:
MASA syndrome. Also called: CRASH syndrome; SPASTIC PARAPLEGIA 1, X-LINKED; MASA Syndrome (Mental Retardation, Adducted Thumbs, Shuffling Gait, and Aphasia); MASA (Mental Retardation, Adducted Thumbs, Shuffling Gait, Aphasia) Syndrome, Including SPG1 (X-Linked Complicated Hereditary Spastic Paraplegia Type 1); ADDUCTED THUMB WITH MENTAL RETARDATION; CLASPED THUMB AND MENTAL RETARDATION. Identifiers: Orphanet 2466, MedGen C0795953, MONDO:0010559, OMIM 303350.
X-linked complicated corpus callosum dysgenesis. Also called: X-Linked Complicated Corpus Callosum Agenesis. Identifiers: Orphanet 1497, MedGen C1839909, MONDO:0010569, OMIM 304100.
X-linked hydrocephalus syndrome (HYCX). Also called: X-Linked Hydrocephalus with Stenosis of the Aqueduct of Sylvius; AQUEDUCTAL STENOSIS, X-LINKED; X-Linked Hydrocephalus with Stenosis of the Aqueduct of Sylvius (HSAS); HYDROCEPHALUS, CONGENITAL, X-LINKED; X-linked hydrocephalus. Identifiers: Orphanet 2182, MedGen C0265216, MONDO:0010611, OMIM 307000.

gnomAD v4.1: 9 of 1,211,677 alleles (0.00074%); highest among the groups gnomAD compares: South Asian, 0.0018%; no homozygotes.

Submissions (3):

Institute of Immunology and Genetics Kaiserslautern
Classification: Uncertain significance for X-linked hydrocephalus syndrome; MASA syndrome; X-linked complicated corpus callosum dysgenesis. Last evaluated: 2023-07-19. Review status: criteria provided, single submitter. Criteria: ACMG Guidelines, 2015. Collection method: clinical testing. Allele origin: maternal.
Comment: ACMG Criteria: PM2_P, PP3; Variant was found in hemizygous state.

Clinical Genetics DNA and cytogenetics Diagnostics Lab, Erasmus MC, Erasmus Medical Center
Classification: Uncertain significance. Review status: no assertion criteria provided. Collection method: clinical testing. Allele origin: germline. Affected: yes. Study: VKGL Data-share Consensus. Not counted in ClinVar's aggregate classification.

Joint Genome Diagnostic Labs from Nijmegen and Maastricht, Radboudumc and MUMC+
Classification: Uncertain significance. Review status: no assertion criteria provided. Collection method: clinical testing. Allele origin: germline. Affected: yes. Study: VKGL Data-share Consensus. Not counted in ClinVar's aggregate classification.